The following is an entry in ClinVar:

ClinVar aggregate classification (germline): Likely benign (1 of 4 stars; one submission).

Conditions:
Malignant hyperthermia, susceptibility to, 1 (MHS1). Also called: Anesthesia related hyperthermia; Malignant hyperpyrexia; Fulminating hyperpyrexia; Pharmacogenic myopathy; RYR1-Related Malignant Hyperthermia Susceptibility; Malignant hyperthermia suceptibility 1. Identifiers: Orphanet 423, MedGen C2930980, MONDO:0007783, OMIM 145600.

Allele frequency attached by ClinVar (database versions not stated): TOPMed below 0.00001; gnomAD 0.00001; ExAC 0.00005.
gnomAD v4.1: 19 of 1,561,108 alleles (0.0012%); highest among the groups gnomAD compares: Non-Finnish European, 0.0016%; no homozygotes.

Submission:

All of Us Research Program, National Institutes of Health
Classification: Likely benign for Malignant hyperthermia, susceptibility to, 1. Last evaluated: 2023-12-01. Review status: criteria provided, single submitter. Criteria: ACMG Guidelines, 2015. Collection method: clinical testing. Allele origin: germline. Inheritance: Autosomal dominant inheritance. Observed: 3 variant alleles, 3 heterozygotes.
Comment: This study involves interpretation of variants in research participants for the purpose of population health screening. Participant phenotype was not available at the time of variant classification. Additional details can be found in publication PMID: 35346344, PMCID: PMC8962531

NM_000540.3(RYR1):c.12738C>T (p.Ile4246=)

Gene: RYR1 (ryanodine receptor 1; plus strand). Cytogenetic location: 19q13.2.
Variant type: single nucleotide variant.
Coding change: c.12738C>T on transcript NM_000540.3 (MANE Select); coding-DNA position 12738, C replaced by T.
Protein change: p.Ile4246=; no amino-acid change (isoleucine 4246 retained).
Molecular consequence: synonymous variant.
Genome position (GRCh38, 1-based): chr19:38,565,072, C>T. VCF-style: chr19-38565072-C-T. GRCh37 (hg19) VCF-style: chr19-39055712-C-T.
Other names: c.12723C>T, p.Ile4241= (NM_001042723.2).
Identifiers: ClinVar variation 3071677 (VCV003071677.1), dbSNP rs755175933, ClinGen allele CA059362.